The following is an entry in ClinVar:

NM_001271.4(CHD2):c.1666G>A (p.Ala556Thr)

Gene: CHD2 (chromodomain helicase DNA binding protein 2; plus strand). Cytogenetic location: 15q26.1.
Variant type: single nucleotide variant.
Coding change: c.1666G>A on transcript NM_001271.4 (MANE Select); coding-DNA position 1666, G replaced by A.
Protein change: p.Ala556Thr; replaces alanine 556 with threonine.
Molecular consequence: missense variant.
Genome position (GRCh38, 1-based): chr15:92,953,520, G>A. VCF-style: chr15-92953520-G-A. GRCh37 (hg19) VCF-style: chr15-93496750-G-A.
Other names: short protein forms A556T.
Identifiers: ClinVar variation 1035207 (VCV001035207.9), dbSNP rs2053579900, ClinGen allele CA393905280.

ClinVar aggregate classification (germline): Uncertain significance (1 of 4 stars; one submission).

Conditions:
Developmental and epileptic encephalopathy 94 (DEE94). Also called: Epileptic encephalopathy, childhood-onset; CHD2-Related Neurodevelopmental Disorders. Identifiers: Orphanet 1942, Orphanet 2382, MedGen C3809278, MONDO:0014150, OMIM 615369.

Allele frequency attached by ClinVar (database versions not stated): gnomAD exomes below 0.00001.
gnomAD v4.1: 1 of 1,614,088 alleles (0.000062%); highest among the groups gnomAD compares: Middle Eastern, 0.016%; no homozygotes.

Submission:

Labcorp Genetics (formerly Invitae), Labcorp
Classification: Uncertain significance for Developmental and epileptic encephalopathy 94. Last evaluated: 2020-10-26. Review status: criteria provided, single submitter. Criteria: Invitae Variant Classification Sherloc (09022015). Collection method: clinical testing. Allele origin: germline.
Comment: In summary, the available evidence is currently insufficient to determine the role of this variant in disease. Therefore, it has been classified as a Variant of Uncertain Significance. This sequence change replaces alanine with threonine at codon 556 of the CHD2 protein (p.Ala556Thr). The alanine residue is highly conserved and there is a small physicochemical difference between alanine and threonine. This variant is not present in population databases (ExAC no frequency). This variant has not been reported in the literature in individuals with CHD2-related conditions. Advanced modeling of protein sequence and biophysical properties (such as structural, functional, and spatial information, amino acid conservation, physicochemical variation, residue mobility, and thermodynamic stability) performed at Invitae indicates that this missense variant is not expected to disrupt CHD2 protein function.